The following is an entry in ClinVar:

NM_001572.5(IRF7):c.911T>A (p.Val304Glu)

Gene: IRF7 (interferon regulatory factor 7; minus strand). Cytogenetic location: 11p15.5.
Variant type: single nucleotide variant.
Coding change: c.911T>A on transcript NM_001572.5 (MANE Select); coding-DNA position 911, T replaced by A.
Protein change: p.Val304Glu; replaces valine 304 with glutamic acid.
Molecular consequence: missense variant.
Genome position (GRCh38, 1-based): chr11:613,532, A>T on the plus strand (T>A on the coding strand, the complement: IRF7 is on the minus strand). VCF-style: chr11-613532-A-T. GRCh37 (hg19) VCF-style: chr11-613532-A-T.
Other names: c.911T>A, p.Val304Glu (LRG_1313t1); c.824T>A, p.Val275Glu (NM_004029.4); c.950T>A, p.Val317Glu (NM_004031.4); short protein forms V304E, V317E, V275E.
Identifiers: ClinVar variation 663308 (VCV000663308.9), dbSNP rs373394984, ClinGen allele CA5783634.
Genomic context (GRCh38, chr11:613,532, plus strand): 5'-GTGGCCCGGACAGCTGGGTCTGGGGGGCCGTATAGGAACGTGCAGCTCGGGTGTCCCACC[A>T]CCTTCTGCAGCACCGTGCGGCCCTTGTACATGATGGTCACGTCCAGCGCCCCTGGGCTGG-3'
Protein context (NP_001563.2, residues 294-314): MYKGRTVLQK[Val304Glu]VGHPSCTFLY

ClinVar aggregate classification (germline): Uncertain significance. Review status: criteria provided, multiple submitters, no conflicts (2 of 4 stars). 2 submissions from 2 submitters: Uncertain significance (2). Last evaluated 2025-09-10.

Conditions:
Immunodeficiency 39 (IMD39). Identifiers: Orphanet 574918, MedGen C4225358, MONDO:0014597, OMIM 616345.

Allele frequency attached by ClinVar (database versions not stated): gnomAD 0.00007 and 0.00008; gnomAD exomes 0.00007; TOPMed 0.00007; ExAC 0.00008; ESP Exome Variant Server 0.00016.
gnomAD v4.1: 154 of 1,569,924 alleles (0.0098%); highest among the groups gnomAD compares: Non-Finnish European, 0.013%; no homozygotes.

Submissions (2):

Ambry Genetics
Classification: Uncertain significance. Last evaluated: 2025-09-10. Review status: criteria provided, single submitter. Criteria: Ambry Variant Classification Scheme 2023. Collection method: clinical testing. Allele origin: germline.

Labcorp Genetics (formerly Invitae), Labcorp
Classification: Uncertain significance for Immunodeficiency 39. Last evaluated: 2024-11-03. Review status: criteria provided, single submitter. Criteria: Invitae Variant Classification Sherloc (09022015). Collection method: clinical testing. Allele origin: germline.
Comment: This sequence change replaces valine, which is neutral and non-polar, with glutamic acid, which is acidic and polar, at codon 317 of the IRF7 protein (p.Val317Glu). This variant is present in population databases (rs373394984, gnomAD 0.01%). This variant has not been reported in the literature in individuals affected with IRF7-related conditions. ClinVar contains an entry for this variant (Variation ID: 663308). Invitae Evidence Modeling of protein sequence and biophysical properties (such as structural, functional, and spatial information, amino acid conservation, physicochemical variation, residue mobility, and thermodynamic stability) indicates that this missense variant is not expected to disrupt IRF7 protein function with a negative predictive value of 80%. In summary, the available evidence is currently insufficient to determine the role of this variant in disease. Therefore, it has been classified as a Variant of Uncertain Significance.